The following is an entry in ClinVar:

ClinVar aggregate classification (germline): Likely benign. Review status: criteria provided, single submitter (1 of 4 stars). 2 submissions from 2 submitters: Likely benign (1). 1 of the submissions does not count toward it. Last evaluated 2023-11-28.

Conditions:
NDUFS1-related disorder. Also called: NDUFS1-related condition.

Allele frequency attached by ClinVar (database versions not stated): gnomAD exomes 0.00001; ExAC 0.00002.
gnomAD v4.1: 13 of 1,613,256 alleles (0.00081%); highest among the groups gnomAD compares: Middle Eastern, 0.083%; no homozygotes.

Submissions (2):

Labcorp Genetics (formerly Invitae), Labcorp
Classification: Likely benign. Last evaluated: 2023-11-28. Review status: criteria provided, single submitter. Criteria: Invitae Variant Classification Sherloc (09022015). Collection method: clinical testing. Allele origin: germline.

PreventionGenetics, part of Exact Sciences
Classification: Likely benign for NDUFS1-related condition. Last evaluated: 2019-07-11. Review status: no assertion criteria provided. Collection method: clinical testing. Allele origin: germline. Not counted in ClinVar's aggregate classification.
Comment: This variant is classified as likely benign based on ACMG/AMP sequence variant interpretation guidelines (Richards et al. 2015 PMID: 25741868, with internal and published modifications).

NM_005006.7(NDUFS1):c.297T>G (p.Gly99=)

Gene: NDUFS1 (NADH:ubiquinone oxidoreductase core subunit S1; minus strand). Cytogenetic location: 2q33.3.
Variant type: single nucleotide variant.
Coding change: c.297T>G on transcript NM_005006.7 (MANE Select); coding-DNA position 297, T replaced by G.
Protein change: p.Gly99=; no amino-acid change (glycine 99 retained).
Molecular consequence: synonymous variant. On other transcripts: intron variant (1).
Genome position (GRCh38, 1-based): chr2:206,149,061, A>C on the plus strand (T>G on the coding strand, the complement: NDUFS1 is on the minus strand). VCF-style: chr2-206149061-A-C. GRCh37 (hg19) VCF-style: chr2-207013785-A-C.
Other names: c.189T>G, p.Gly63= (NM_001199981.2); c.126T>G, p.Gly42= (NM_001199983.2); c.339T>G, p.Gly113= (NM_001199984.2); c.6-1227T>G (NM_001199982.2); c.297T>G (NM_005006.6).
Identifiers: ClinVar variation 2414936 (VCV002414936.9), dbSNP rs769533865, ClinGen allele CA2070822.
Genomic context (GRCh38, chr2:206,149,061, plus strand): 5'-TTGAATAACAATAAAGTACCTGGCTTTTTTGGATTTTTCTGAGTTTGTTAGGATATTCCA[A>C]CCCTTCATTACTGGCATGGCACAAGCAGCTACAACCTGGGATTTCAATGAAAAAAAAAAA-3'
Protein context (NP_004997.4, residues 89-109): VAACAMPVMK[Gly99=]WNILTNSEKS